The following is an entry in ClinVar:

ClinVar aggregate classification (germline): Uncertain significance (1 of 4 stars; one submission).

Conditions:
Long QT syndrome (LQTS). Identifiers: MedGen C0023976, MeSH D008133, MONDO:0002442. Disease mechanism: loss of function. Inheritance: Various modes of inheritance.

Submission:

Labcorp Genetics (formerly Invitae), Labcorp
Classification: Uncertain significance for Long QT syndrome. Last evaluated: 2025-05-26. Review status: criteria provided, single submitter. Criteria: Invitae Variant Classification Sherloc (09022015). Collection method: clinical testing. Allele origin: germline.
Comment: This sequence change replaces glycine, which is neutral and non-polar, with glutamic acid, which is acidic and polar, at codon 773 of the KCNH2 protein (p.Gly773Glu). This variant is not present in population databases (gnomAD no frequency). This variant has not been reported in the literature in individuals affected with KCNH2-related conditions. An algorithm developed to predict the effect of missense changes on protein structure and function (PolyPhen-2) suggests that this variant is likely to be disruptive. In summary, the available evidence is currently insufficient to determine the role of this variant in disease. Therefore, it has been classified as a Variant of Uncertain Significance.

NM_000238.4(KCNH2):c.2318G>A (p.Gly773Glu)

Gene: KCNH2 (potassium voltage-gated channel subfamily H member 2; minus strand). Cytogenetic location: 7q36.1.
Variant type: single nucleotide variant.
Coding change: c.2318G>A on transcript NM_000238.4 (MANE Select); coding-DNA position 2318, G replaced by A.
Protein change: p.Gly773Glu; replaces glycine 773 with glutamic acid.
Molecular consequence: missense variant. On other transcripts: non-coding transcript variant (2).
Genome position (GRCh38, 1-based): chr7:150,950,248, C>T on the plus strand (G>A on the coding strand, the complement: KCNH2 is on the minus strand). VCF-style: chr7-150950248-C-T. GRCh37 (hg19) VCF-style: chr7-150647336-C-T.
Other names: c.1298G>A, p.Gly433Glu (NM_001204798.2, NM_172057.3); c.2030G>A, p.Gly677Glu (NM_001406753.1, NM_001406756.1); c.2141G>A, p.Gly714Glu (NM_001406755.1); c.2018G>A, p.Gly673Glu (NM_001406757.1); c.2318G>A, p.Gly773Glu (NM_172056.3); short protein forms G433E, G714E, G773E, G673E, G677E.
Identifiers: ClinVar variation 4720249 (VCV004720249.1).
Genomic context (GRCh38, chr7:150,950,248, plus strand): 5'-TCGCCCCGCAGGATCTCGATGGAGCCCCGGGAGATGAAGTACAGGGCGGTGAGCAGGTCC[C>T]CAGCATGCACCAGTGTGTCCCCTGGCGGTGCATGTGTGGTCTTGAACTTCATGGCCAGGG-3'
Protein context (NP_000229.1, residues 763-783): APPGDTLVHA[Gly773Glu]DLLTALYFIS